The following is an entry in ClinVar:

NM_030665.4(RAI1):c.2105C>T (p.Thr702Ile)

Gene: RAI1 (retinoic acid induced 1; plus strand). Cytogenetic location: 17p11.2.
Variant type: single nucleotide variant.
Coding change: c.2105C>T on transcript NM_030665.4 (MANE Select); coding-DNA position 2105, C replaced by T.
Protein change: p.Thr702Ile; replaces threonine 702 with isoleucine.
Molecular consequence: missense variant.
Genome position (GRCh38, 1-based): chr17:17,795,053, C>T. VCF-style: chr17-17795053-C-T. GRCh37 (hg19) VCF-style: chr17-17698367-C-T.
Other names: short protein forms T702I.
Identifiers: ClinVar variation 1696976 (VCV001696976.2), dbSNP rs2143002131, ClinGen allele CA398550144.

ClinVar aggregate classification (germline): Uncertain significance (1 of 4 stars; one submission).

Submission:

GeneDx
Classification: Uncertain significance. Last evaluated: 2022-01-14. Review status: criteria provided, single submitter. Criteria: GeneDx Variant Classification Process June 2021. Collection method: clinical testing. Allele origin: germline. Affected: yes.
Comment: Not observed at significant frequency in large population cohorts (gnomAD); In silico analysis supports that this missense variant does not alter protein structure/function; Has not been previously published as pathogenic or benign to our knowledge